The following is an entry in ClinVar:

NM_000256.3(MYBPC3):c.3519G>T (p.Lys1173Asn)

Gene: MYBPC3 (myosin binding protein C3; minus strand). Cytogenetic location: 11p11.2.
Variant type: single nucleotide variant.
Coding change: c.3519G>T on transcript NM_000256.3 (MANE Select); coding-DNA position 3519, G replaced by T.
Protein change: p.Lys1173Asn; replaces lysine 1173 with asparagine.
Molecular consequence: missense variant.
Genome position (GRCh38, 1-based): chr11:47,332,674, C>A on the plus strand (G>T on the coding strand, the complement: MYBPC3 is on the minus strand). VCF-style: chr11-47332674-C-A. GRCh37 (hg19) VCF-style: chr11-47354225-C-A.
Other names: c.3519G>T, p.Lys1173Asn (LRG_386t1); short protein forms K1173N.
Identifiers: ClinVar variation 524984 (VCV000524984.8), dbSNP rs1555120305, ClinGen allele CA380312771.

ClinVar aggregate classification (germline): Uncertain significance (1 of 4 stars; one submission).

Conditions:
Hypertrophic cardiomyopathy. Also called: HYPERTROPHIC MYOCARDIOPATHY. Identifiers: Orphanet 217569, MedGen C0007194, MeSH D002312, MONDO:0005045, HP:0001639.

Submission:

Labcorp Genetics (formerly Invitae), Labcorp
Classification: Uncertain significance for Hypertrophic cardiomyopathy. Last evaluated: 2023-05-08. Review status: criteria provided, single submitter. Criteria: Invitae Variant Classification Sherloc (09022015). Collection method: clinical testing. Allele origin: germline.
Comment: This sequence change replaces lysine, which is basic and polar, with asparagine, which is neutral and polar, at codon 1173 of the MYBPC3 protein (p.Lys1173Asn). This variant is not present in population databases (gnomAD no frequency). This variant has not been reported in the literature in individuals affected with MYBPC3-related conditions. ClinVar contains an entry for this variant (Variation ID: 524984). An algorithm developed to predict the effect of missense changes on protein structure and function (PolyPhen-2) suggests that this variant is likely to be disruptive. In summary, the available evidence is currently insufficient to determine the role of this variant in disease. Therefore, it has been classified as a Variant of Uncertain Significance.